The following is an entry in ClinVar:

NM_014159.7(SETD2):c.1407C>T (p.Tyr469=)

Gene: SETD2 (SET domain containing 2, histone lysine methyltransferase; minus strand). Cytogenetic location: 3p21.31.
Variant type: single nucleotide variant.
Coding change: c.1407C>T on transcript NM_014159.7 (MANE Select); coding-DNA position 1407, C replaced by T.
Protein change: p.Tyr469=; no amino-acid change (tyrosine 469 retained).
Molecular consequence: synonymous variant. On other transcripts: non-coding transcript variant (1).
Genome position (GRCh38, 1-based): chr3:47,123,229, G>A on the plus strand (C>T on the coding strand, the complement: SETD2 is on the minus strand). VCF-style: chr3-47123229-G-A. GRCh37 (hg19) VCF-style: chr3-47164719-G-A.
Other names: c.1275C>T, p.Tyr425= (NM_001349370.3); c.1407C>T (NM_014159.6).
Identifiers: ClinVar variation 1592377 (VCV001592377.11), dbSNP rs770493452, ClinGen allele CA73811513.

ClinVar aggregate classification (germline): Likely benign. Review status: criteria provided, multiple submitters, no conflicts (2 of 4 stars). 3 submissions from 3 submitters: Likely benign (2). 1 of the submissions does not count toward it. Last evaluated 2025-11-18.

Conditions:
SETD2-related disorder.
Luscan-Lumish syndrome. Identifiers: Orphanet 597738, MedGen C4085873, MONDO:0014791, OMIM 616831.

Allele frequency attached by ClinVar (database versions not stated): gnomAD exomes 0.00004 and 0.00011; gnomAD 0.00006; TOPMed 0.00006.
gnomAD v4.1: 160 of 1,561,216 alleles (0.01%); highest among the groups gnomAD compares: Non-Finnish European, 0.013%; no homozygotes.

Submissions (3):

Women's Health and Genetics/Laboratory Corporation of America, LabCorp
Classification: Likely benign. Last evaluated: 2025-11-18. Review status: criteria provided, single submitter. Criteria: LabCorp Variant Classification Summary - May 2015. Collection method: clinical testing. Allele origin: germline.

Labcorp Genetics (formerly Invitae), Labcorp
Classification: Likely benign for Luscan-Lumish syndrome. Last evaluated: 2021-10-09. Review status: criteria provided, single submitter. Criteria: Invitae Variant Classification Sherloc (09022015). Collection method: clinical testing. Allele origin: germline.

PreventionGenetics, part of Exact Sciences
Classification: Likely benign for SETD2-related condition. Last evaluated: 2019-05-10. Review status: no assertion criteria provided. Collection method: clinical testing. Allele origin: germline. Not counted in ClinVar's aggregate classification.
Comment: This variant is classified as likely benign based on ACMG/AMP sequence variant interpretation guidelines (Richards et al. 2015 PMID: 25741868, with internal and published modifications).